The following is an entry in ClinVar:

NM_000140.5(FECH):c.598+3A>G

Gene: FECH (ferrochelatase; minus strand). Cytogenetic location: 18q21.31.
Variant type: single nucleotide variant.
Coding change: c.598+3A>G on transcript NM_000140.5 (MANE Select); 3 bases into the intron after coding-DNA position 598, A replaced by G.
Molecular consequence: intron variant.
Genome position (GRCh38, 1-based): chr18:57,566,444, T>C on the plus strand (A>G on the coding strand, the complement: FECH is on the minus strand). VCF-style: chr18-57566444-T-C. GRCh37 (hg19) VCF-style: chr18-55233676-T-C.
Other names: c.598+3A>G (NM_001371094.1, NM_001374778.1); c.616+3A>G (NM_001012515.4); c.382+3A>G (NM_001371095.1).
Identifiers: ClinVar variation 2683460 (VCV002683460.1), dbSNP rs373648916, ClinGen allele CA8973166.

ClinVar aggregate classification (germline): Uncertain significance (1 of 4 stars; one submission).

Allele frequency attached by ClinVar (database versions not stated): gnomAD exomes below 0.00001; ExAC 0.00001; gnomAD 0.00001; TOPMed 0.00001; ESP Exome Variant Server 0.00008.
gnomAD v4.1: 5 of 1,614,092 alleles (0.00031%); highest among the groups gnomAD compares: Non-Finnish European, 0.00042%; no homozygotes.

Submission:

Mayo Clinic Laboratories, Mayo Clinic
Classification: Uncertain significance. Last evaluated: 2022-02-10. Review status: criteria provided, single submitter. Criteria: ACMG Guidelines, 2015. Collection method: clinical testing. Allele origin: germline. Observed: 1 variant allele.
Comment: BP4, PM2